The following is an entry in ClinVar:

ClinVar aggregate classification (germline): Pathogenic (1 of 4 stars; one submission).

Submission:

Labcorp Genetics (formerly Invitae), Labcorp
Classification: Pathogenic. Last evaluated: 2023-06-04. Review status: criteria provided, single submitter. Criteria: Invitae Variant Classification Sherloc (09022015). Collection method: clinical testing. Allele origin: germline.
Comment: For these reasons, this variant has been classified as Pathogenic. This variant has not been reported in the literature in individuals affected with TRIP4-related conditions. This variant is not present in population databases (gnomAD no frequency). This sequence change creates a premature translational stop signal (p.Trp468Glyfs*2) in the TRIP4 gene. It is expected to result in an absent or disrupted protein product. Loss-of-function variants in TRIP4 are known to be pathogenic (PMID: 26924529, 27008887).

Literature cited by the submitters: PubMed 26924529; PubMed 27008887.

NM_016213.5(TRIP4):c.1402del (p.Trp468fs)

Gene: TRIP4 (thyroid hormone receptor interactor 4; plus strand). Cytogenetic location: 15q22.31.
Variant type: Deletion.
Coding change: c.1402del on transcript NM_016213.5 (MANE Select); coding-DNA position 1402, one base deleted (T; older notation c.1402delT).
Protein change: p.Trp468fs; shifts the reading frame from tryptophan 468.
Molecular consequence: frameshift variant. On other transcripts: non-coding transcript variant (1).
Genome position (GRCh38, 1-based): chr15:64,424,074, T deleted; the last of 3 consecutive T bases (chr15:64,424,072-64,424,074); deleting any one gives the same sequence. VCF-style (leftmost placement, unchanged base first): chr15-64424071-CT-C. GRCh37 (hg19) VCF-style: chr15-64716270-CT-C.
Other names: c.712del, p.Trp238fs (NM_001321924.2); short protein forms W468fs, W238fs.
Identifiers: ClinVar variation 2858605 (VCV002858605.3), dbSNP rs2505460057, ClinGen allele CA2739269510.